The following is an entry in ClinVar:

ClinVar aggregate classification (germline): Uncertain significance (1 of 4 stars; one submission).

Conditions:
Infantile neuroaxonal dystrophy (NBIA2A). Also called: NEURODEGENERATION WITH BRAIN IRON ACCUMULATION 2A; SEITELBERGER DISEASE; Infantile neuroaxonal dystrophy 1. Identifiers: Orphanet 35069, MedGen C0270724, MONDO:0024457, OMIM 256600.

Allele frequency attached by ClinVar (database versions not stated): gnomAD exomes 0.00001; ExAC 0.00001.

Submission:

Labcorp Genetics (formerly Invitae), Labcorp
Classification: Uncertain significance for Infantile neuroaxonal dystrophy. Last evaluated: 2024-01-17. Review status: criteria provided, single submitter. Criteria: Invitae Variant Classification Sherloc (09022015). Collection method: clinical testing. Allele origin: germline.
Comment: This sequence change replaces methionine, which is neutral and non-polar, with threonine, which is neutral and polar, at codon 270 of the PLA2G6 protein (p.Met270Thr). This variant is present in population databases (rs769435158, gnomAD 0.0009%). This variant has not been reported in the literature in individuals affected with PLA2G6-related conditions. ClinVar contains an entry for this variant (Variation ID: 1991537). Advanced modeling of protein sequence and biophysical properties (such as structural, functional, and spatial information, amino acid conservation, physicochemical variation, residue mobility, and thermodynamic stability) performed at Invitae indicates that this missense variant is not expected to disrupt PLA2G6 protein function with a negative predictive value of 80%. In summary, the available evidence is currently insufficient to determine the role of this variant in disease. Therefore, it has been classified as a Variant of Uncertain Significance.

NM_003560.4(PLA2G6):c.809T>C (p.Met270Thr)

Gene: PLA2G6 (phospholipase A2 group VI; minus strand). Cytogenetic location: 22q13.1.
Variant type: single nucleotide variant.
Coding change: c.809T>C on transcript NM_003560.4 (MANE Select); coding-DNA position 809, T replaced by C.
Protein change: p.Met270Thr; replaces methionine 270 with threonine.
Molecular consequence: missense variant.
Genome position (GRCh38, 1-based): chr22:38,135,073, A>G on the plus strand (T>C on the coding strand, the complement: PLA2G6 is on the minus strand). VCF-style: chr22-38135073-A-G. GRCh37 (hg19) VCF-style: chr22-38531080-A-G.
Other names: c.809T>C, p.Met270Thr (NM_001004426.3, NM_001199562.3, NM_001349864.2 and 2 more transcripts); c.275T>C, p.Met92Thr (NM_001349867.2, NM_001349869.2); c.131T>C, p.Met44Thr (NM_001349868.2); short protein forms M44T, M92T, M270T.
Identifiers: ClinVar variation 1991537 (VCV001991537.4), dbSNP rs769435158, ClinGen allele CA10231131.